The following is an entry in ClinVar:

ClinVar aggregate classification (germline): Uncertain significance (1 of 4 stars; one submission).

Conditions:
Ullrich congenital muscular dystrophy 2 (UCMD2). Identifiers: Orphanet 75840, MedGen C4225314, MONDO:0014654, OMIM 616470.
Bethlem myopathy 2 (BTHLM2). Identifiers: Orphanet 536516, Orphanet 610, MedGen C4225313, MONDO:0034022, OMIM 616471.

Submission:

Labcorp Genetics (formerly Invitae), Labcorp
Classification: Uncertain significance for Bethlem myopathy 2; Ullrich congenital muscular dystrophy 2. Last evaluated: 2023-07-12. Review status: criteria provided, single submitter. Criteria: Invitae Variant Classification Sherloc (09022015). Collection method: clinical testing. Allele origin: germline.
Comment: In summary, the available evidence is currently insufficient to determine the role of this variant in disease. Therefore, it has been classified as a Variant of Uncertain Significance. This sequence change replaces threonine, which is neutral and polar, with serine, which is neutral and polar, at codon 2844 of the COL12A1 protein (p.Thr2844Ser). This variant is not present in population databases (gnomAD no frequency). This variant has not been reported in the literature in individuals affected with COL12A1-related conditions. An algorithm developed to predict the effect of missense changes on protein structure and function (PolyPhen-2) suggests that this variant is likely to be disruptive.

NM_004370.6(COL12A1):c.8530A>T (p.Thr2844Ser)

Gene: COL12A1 (collagen type XII alpha 1 chain; minus strand). Cytogenetic location: 6q13.
Variant type: single nucleotide variant.
Coding change: c.8530A>T on transcript NM_004370.6 (MANE Select); coding-DNA position 8530, A replaced by T.
Protein change: p.Thr2844Ser; replaces threonine 2844 with serine.
Molecular consequence: missense variant.
Genome position (GRCh38, 1-based): chr6:75,097,300, T>A on the plus strand (A>T on the coding strand, the complement: COL12A1 is on the minus strand). VCF-style: chr6-75097300-T-A. GRCh37 (hg19) VCF-style: chr6-75807016-T-A.
Other names: c.8530A>T, p.Thr2844Ser (NM_001424113.1); c.8509A>T, p.Thr2837Ser (NM_001424114.1); c.8257A>T, p.Thr2753Ser (NM_001424115.1); c.5038A>T, p.Thr1680Ser (NM_001424116.1, NM_080645.3); short protein forms T2844S, T1680S, T2753S, T2837S.
Identifiers: ClinVar variation 2931691 (VCV002931691.3), dbSNP rs747817657, ClinGen allele CA364737527.